The following is an entry in ClinVar:

NM_004370.6(COL12A1):c.5687A>G (p.Asn1896Ser)

Gene: COL12A1 (collagen type XII alpha 1 chain; minus strand). Cytogenetic location: 6q13.
Variant type: single nucleotide variant.
Coding change: c.5687A>G on transcript NM_004370.6 (MANE Select); coding-DNA position 5687, A replaced by G.
Protein change: p.Asn1896Ser; replaces asparagine 1896 with serine.
Molecular consequence: missense variant.
Genome position (GRCh38, 1-based): chr6:75,133,400, T>C on the plus strand (A>G on the coding strand, the complement: COL12A1 is on the minus strand). VCF-style: chr6-75133400-T-C. GRCh37 (hg19) VCF-style: chr6-75843116-T-C.
Other names: c.5687A>G, p.Asn1896Ser (NM_001424113.1); c.5666A>G, p.Asn1889Ser (NM_001424114.1); c.5414A>G, p.Asn1805Ser (NM_001424115.1); c.2195A>G, p.Asn732Ser (NM_001424116.1, NM_080645.3); short protein forms N1896S, N1805S, N1889S, N732S.
Identifiers: ClinVar variation 4790600 (VCV004790600.2).
Genomic context (GRCh38, chr6:75,133,400, plus strand): 5'-ACGGGAACTACAGTCACAGTGTATGAGGTATCTGGCTGCAGATTCCTAAGAATGGCATAA[T>C]TGGTATTCCCGGGGATTGGTACCTAAAGATTTTAATAAAACAAAAAGCATTGACTTGAAA-3'
Protein context (NP_004361.3, residues 1886-1906): EELVPIPGNT[Asn1896Ser]YAILRNLQPD

ClinVar aggregate classification (germline): Uncertain significance. Review status: criteria provided, multiple submitters, no conflicts (2 of 4 stars). 2 submissions from 2 submitters: Uncertain significance (2). Last evaluated 2026-09-01.

Conditions:
Bethlem myopathy 2 (BTHLM2). Identifiers: Orphanet 536516, Orphanet 610, MedGen C4225313, MONDO:0034022, OMIM 616471.
Ullrich congenital muscular dystrophy 2 (UCMD2). Identifiers: Orphanet 75840, MedGen C4225314, MONDO:0014654, OMIM 616470.

Submissions (2):

CeGaT Center for Human Genetics Tuebingen
Classification: Uncertain significance. Last evaluated: 2026-09-01. Review status: criteria provided, single submitter. Criteria: CeGaT Center For Human Genetics Tuebingen Variant Classification Criteria Version 2. Collection method: clinical testing. Allele origin: germline. Affected: yes. Observed: 1 variant allele.
Comment: COL12A1: PM2

Labcorp Genetics (formerly Invitae), Labcorp
Classification: Uncertain significance for Bethlem myopathy 2; Ullrich congenital muscular dystrophy 2. Last evaluated: 2025-05-27. Review status: criteria provided, single submitter. Criteria: Invitae Variant Classification Sherloc (09022015). Collection method: clinical testing. Allele origin: germline.
Comment: This sequence change replaces asparagine, which is neutral and polar, with serine, which is neutral and polar, at codon 1896 of the COL12A1 protein (p.Asn1896Ser). This variant is not present in population databases (gnomAD no frequency). This variant has not been reported in the literature in individuals affected with COL12A1-related conditions. Invitae Evidence Modeling of protein sequence and biophysical properties (such as structural, functional, and spatial information, amino acid conservation, physicochemical variation, residue mobility, and thermodynamic stability) indicates that this missense variant is not expected to disrupt COL12A1 protein function with a negative predictive value of 80%. In summary, the available evidence is currently insufficient to determine the role of this variant in disease. Therefore, it has been classified as a Variant of Uncertain Significance.